The following is an entry in ClinVar:

ClinVar aggregate classification (germline): Likely benign (0 of 4 stars; one submission).

Conditions:
DEAF1-related disorder.

Submission:

PreventionGenetics, part of Exact Sciences
Classification: Likely benign for DEAF1-related condition. Last evaluated: 2024-07-25. Review status: no assertion criteria provided. Collection method: clinical testing. Allele origin: germline.
Comment: This variant is classified as likely benign based on ACMG/AMP sequence variant interpretation guidelines (Richards et al. 2015 PMID: 25741868, with internal and published modifications).

NM_021008.4(DEAF1):c.87CGCGGC[1] (p.Ala32_Ala33del)

Gene: DEAF1 (DEAF1 transcription factor; minus strand). Cytogenetic location: 11p15.5.
Variant type: Microsatellite.
Coding change: c.87CGCGGC[1] on transcript NM_021008.4 (MANE Select); one copy of the 6-base unit CGCGGC starting at c.87; the reference has two copies in a row; one copy, 6 bases deleted.
Protein change: p.Ala32_Ala33del.
Molecular consequence: inframe deletion. On other transcripts: inframe indel (1), intron variant (1).
Genome position (GRCh38, 1-based): chr11:694,950-694,955, GCCGCG deleted on the plus strand (CGCGGC on the coding strand, the reverse complement: DEAF1 is on the minus strand); deleting any 6 consecutive bases within chr11:694,950-694,966 gives the same sequence; the position shown is the placement nearest the transcript's 3' end. VCF-style (leftmost placement, unchanged base first): chr11-694949-TGCCGCG-T. GRCh37 (hg19) VCF-style: chr11-694949-TGCCGCG-T.
Other names: c.82_87GCGGCC[1], p.Ala32_Ala33del (NM_001293634.2); c.-437-3357_-437-3352del (NM_001367390.1).
Identifiers: ClinVar variation 3350790 (VCV003350790.1).